The following is an entry in ClinVar:

ClinVar aggregate classification (germline): Uncertain significance (1 of 4 stars; one submission).

Conditions:
Neuropathy, hereditary sensory and autonomic, type 2A (HSAN2A). Also called: ACROOSTEOLYSIS, GIACCAI TYPE; ACROOSTEOLYSIS, NEUROGENIC; MORVAN DISEASE; NEUROPATHY, CONGENITAL SENSORY; NEUROPATHY, HEREDITARY SENSORY RADICULAR, AUTOSOMAL RECESSIVE; NEUROPATHY, HEREDITARY SENSORY, TYPE IIA. Identifiers: Orphanet 970, MedGen C2752089, MONDO:0024309, OMIM 201300.
Pseudohypoaldosteronism type 2C (PHA2C). Also called: Pseudohypoaldosteronism Type IIC. Identifiers: Orphanet 757, Orphanet 88940, MedGen C1840391, MONDO:0013778, OMIM 614492.

Allele frequency attached by ClinVar (database versions not stated): gnomAD exomes below 0.00001.
gnomAD v4.1: 1 of 1,613,898 alleles (0.000062%); highest among the groups gnomAD compares: Non-Finnish European, 0.000085%; no homozygotes.

Submission:

Labcorp Genetics (formerly Invitae), Labcorp
Classification: Uncertain significance for Neuropathy, hereditary sensory and autonomic, type 2A; Pseudohypoaldosteronism type 2C. Last evaluated: 2023-07-03. Review status: criteria provided, single submitter. Criteria: Invitae Variant Classification Sherloc (09022015). Collection method: clinical testing. Allele origin: germline.
Comment: In summary, the available evidence is currently insufficient to determine the role of this variant in disease. Therefore, it has been classified as a Variant of Uncertain Significance. Advanced modeling of protein sequence and biophysical properties (such as structural, functional, and spatial information, amino acid conservation, physicochemical variation, residue mobility, and thermodynamic stability) performed at Invitae indicates that this missense variant is not expected to disrupt WNK1 protein function. This variant has not been reported in the literature in individuals affected with WNK1-related conditions. This variant is not present in population databases (gnomAD no frequency). This sequence change replaces serine, which is neutral and polar, with glycine, which is neutral and non-polar, at codon 1019 of the WNK1 protein (p.Ser1019Gly).

NM_213655.5(WNK1):c.3055A>G (p.Ser1019Gly)

Gene: WNK1 (WNK lysine deficient protein kinase 1; plus strand). Cytogenetic location: 12p13.33.
Variant type: single nucleotide variant.
Coding change: c.3055A>G on transcript NM_213655.5 (MANE Plus Clinical); coding-DNA position 3055, A replaced by G.
Protein change: p.Ser1019Gly; replaces serine 1019 with glycine.
Molecular consequence: missense variant. On other transcripts: intron variant (2).
Genome position (GRCh38, 1-based): chr12:868,526, A>G. VCF-style: chr12-868526-A-G. GRCh37 (hg19) VCF-style: chr12-977692-A-G.
Other names: c.2800A>G, p.Ser934Gly (NM_001184985.2); c.2140-2739A>G (NM_018979.4, NM_014823.3); short protein forms S1019G, S934G.
Identifiers: ClinVar variation 2945415 (VCV002945415.3), dbSNP rs1951874103, ClinGen allele CA383340170.